The following is an entry in ClinVar:

NM_207122.2(EXT2):c.526C>T (p.Gln176Ter)

Gene: EXT2 (exostosin glycosyltransferase 2; plus strand). Cytogenetic location: 11p11.2.
Variant type: single nucleotide variant.
Coding change: c.526C>T on transcript NM_207122.2 (MANE Select); coding-DNA position 526, C replaced by T.
Protein change: p.Gln176Ter; replaces glutamine 176 with a stop codon.
Molecular consequence: nonsense.
Genome position (GRCh38, 1-based): chr11:44,108,238, C>T. VCF-style: chr11-44108238-C-T. GRCh37 (hg19) VCF-style: chr11-44129788-C-T.
Other names: c.625C>T, p.Gln209Ter (NM_000401.3); c.526C>T, p.Gln176Ter (NM_001178083.3, NM_001389628.1, NM_001389630.1); short protein forms Q176*, Q209*.
Identifiers: ClinVar variation 3893235 (VCV003893235.1).

ClinVar aggregate classification (germline): Pathogenic (1 of 4 stars; one submission).

Conditions:
Exostoses, multiple, type 2 (EXT2). Also called: EXOSTOSES, MULTIPLE, TYPE II; Hereditary Multiple Osteochondromatosis, Type II. Identifiers: Orphanet 321, MedGen C1851413, MONDO:0007586, OMIM 133701.

Submission:

Illumina Laboratory Services, Illumina
Classification: Pathogenic for Exostoses, multiple, type 2. Last evaluated: 2023-10-12. Review status: criteria provided, single submitter. Criteria: ICSLVariantClassificationCriteria RUGD 01 April 2020. Collection method: clinical testing. Allele origin: unknown.
Comment: The EXT2 c.526C>T p.(Gln176Ter) nonsense variant results in the loss of normal protein function through either protein truncation or nonsense-mediated mRNA decay. This variant has been reported in four individuals from a multi-generational family with a phenotype consistent with hereditary multiple osteochondromas (PMID: 32678989). The variant was not detected in eight unaffected relatives. This variant is not observed in version 2.1.1 or version 3.1.2 of the Genome Aggregation Database. Based on the available evidence, the c.526C>T, p.(Gln176Ter) variant is classified as pathogenic for hereditary multiple osteochondromas.

Literature cited by the submitters: PubMed 32678989.